The following is an entry in ClinVar:

NM_006440.5(TXNRD2):c.682+6C>A

Gene: TXNRD2 (thioredoxin reductase 2; minus strand). Cytogenetic location: 22q11.21.
Variant type: single nucleotide variant.
Coding change: c.682+6C>A on transcript NM_006440.5 (MANE Select); 6 bases into the intron after coding-DNA position 682, C replaced by A.
Molecular consequence: intron variant.
Genome position (GRCh38, 1-based): chr22:19,899,043, G>T on the plus strand (C>A on the coding strand, the complement: TXNRD2 is on the minus strand). VCF-style: chr22-19899043-G-T. GRCh37 (hg19) VCF-style: chr22-19886566-G-T.
Other names: c.679+6C>A (NM_001352300.2); c.394+6C>A (NM_001352302.2); c.592+6C>A (NM_001352301.2); c.682+6C>A (NM_001282512.3); c.586+6C>A (NM_001352303.2).
Identifiers: ClinVar variation 1908423 (VCV001908423.6), dbSNP rs767490146, ClinGen allele CA10104026.
Genomic context (GRCh38, chr22:19,899,043, plus strand): 5'-GGGAGGGACTCAAGGGAAGGAGTGTCCAGTTCCCAGGACGGCCACCTGCACGCTTGCAAA[G>T]GATACAGCTGGCCCCGACCACCAACCTGTTAGAGAAACAGAGAGAGAGCACATGTAAAGC-3'

ClinVar aggregate classification (germline): Uncertain significance. Review status: criteria provided, multiple submitters, no conflicts (2 of 4 stars). 2 submissions from 2 submitters: Uncertain significance (2). Last evaluated 2025-12-08.

Conditions:
Primary dilated cardiomyopathy (DCM). Also called: Dilated Cardiomyopathy. Identifiers: Orphanet 217604, MedGen C0007193, MeSH D002311, MONDO:0005021, HP:0001644. Inheritance: Various modes of inheritance.

Allele frequency attached by ClinVar (database versions not stated): ExAC 0.00001; TOPMed 0.00001; gnomAD 0.00002.
gnomAD v4.1: 10 of 1,606,302 alleles (0.00062%); highest among the groups gnomAD compares: Admixed American, 0.0033%; no homozygotes.

Submissions (2):

Labcorp Genetics (formerly Invitae), Labcorp
Classification: Uncertain significance for Primary dilated cardiomyopathy. Last evaluated: 2025-12-08. Review status: criteria provided, single submitter. Criteria: Invitae Variant Classification Sherloc (09022015). Collection method: clinical testing. Allele origin: germline.
Comment: This sequence change falls in intron 9 of the TXNRD2 gene. It does not directly change the encoded amino acid sequence of the TXNRD2 protein. It affects a nucleotide within the consensus splice site. The frequency data for this variant in the population databases is considered unreliable, as metrics indicate poor data quality at this position in the gnomAD database. This variant has not been reported in the literature in individuals affected with TXNRD2-related conditions. ClinVar contains an entry for this variant (Variation ID: 1908423). Variants that disrupt the consensus splice site are a relatively common cause of aberrant splicing (PMID: 17576681, 9536098). Algorithms developed to predict the effect of sequence changes on RNA splicing suggest that this variant is not likely to affect RNA splicing. In summary, the available evidence is currently insufficient to determine the role of this variant in disease. Therefore, it has been classified as a Variant of Uncertain Significance.

GeneDx
Classification: Uncertain significance. Last evaluated: 2023-09-05. Review status: criteria provided, single submitter. Criteria: GeneDx Variant Classification Process June 2021. Collection method: clinical testing. Allele origin: germline. Affected: yes.
Comment: Has not been previously published as pathogenic or benign to our knowledge; Not observed at significant frequency in large population cohorts (gnomAD); In silico analysis supports that this variant does not alter splicing

Literature cited by the submitters: PubMed 17576681 (cited by Labcorp Genetics (formerly Invitae), Labcorp); PubMed 9536098 (cited by Labcorp Genetics (formerly Invitae), Labcorp).